The following is an entry in ClinVar:

ClinVar aggregate classification (germline): Conflicting classifications of pathogenicity. Review status: criteria provided, conflicting classifications (1 of 4 stars). 8 submissions from 8 submitters: Uncertain significance (4); Likely benign (2). 2 of the submissions do not count toward it. Last evaluated 2025-12-14.

Conditions:
MYO15A-related disorder. Also called: MYO15A-related condition.
Autosomal recessive nonsyndromic hearing loss 3. Also called: NEUROSENSORY NONSYNDROMIC RECESSIVE DEAFNESS 3. Identifiers: Orphanet 90636, MedGen C1838263, MONDO:0010860, OMIM 600316.

Allele frequency attached by ClinVar (database versions not stated): TOPMed 0.00024; ESP Exome Variant Server 0.00008; gnomAD 0.00014 and 0.00015.
gnomAD v4.1: 243 of 1,588,312 alleles (0.015%); highest among the groups gnomAD compares: Admixed American, 0.0035%; no homozygotes.

Submissions (8):

Labcorp Genetics (formerly Invitae), Labcorp
Classification: Likely benign. Last evaluated: 2025-12-14. Review status: criteria provided, single submitter. Criteria: Invitae Variant Classification Sherloc (09022015). Collection method: clinical testing. Allele origin: germline.

GeneDx
Classification: Uncertain significance. Last evaluated: 2025-02-24. Review status: criteria provided, single submitter. Criteria: GeneDx Variant Classification Process June 2021. Collection method: clinical testing. Allele origin: germline. Affected: yes.
Comment: Reported without a second variant in a patient with hearing loss in published literature who harbored a variant in different gene, which was considered diagnostic (PMID: 29907799); In silico analysis indicates that this missense variant does not alter protein structure/function; This variant is associated with the following publications: (PMID: 29907799)

Blueprint Genetics
Classification: Likely benign. Last evaluated: 2024-10-30. Review status: criteria provided, single submitter. Criteria: ACMG Guidelines, 2015. Collection method: clinical testing. Allele origin: germline.

Department of Pathology and Laboratory Medicine, Sinai Health System
Classification: Uncertain significance for Autosomal recessive nonsyndromic hearing loss 3. Last evaluated: 2021-07-30. Review status: criteria provided, single submitter. Criteria: ACMG Guidelines, 2015. Collection method: research. Allele origin: germline.

Illumina Laboratory Services, Illumina
Classification: Uncertain significance for Autosomal recessive nonsyndromic hearing loss 3. Last evaluated: 2018-01-13. Review status: criteria provided, single submitter. Criteria: ICSL Variant Classification Criteria 13 December 2019. Collection method: clinical testing. Allele origin: germline.

Laboratory for Molecular Medicine, Mass General Brigham Personalized Medicine
Classification: Uncertain significance. Last evaluated: 2015-05-05. Review status: criteria provided, single submitter. Criteria: LMM Criteria. Collection method: clinical testing. Allele origin: germline. Observed: 3 variant alleles.
Comment: The p.Ala2456Gly variant in MYO15A has been previously identified by our laborat ory in the heterozygous state in two individuals with hearing loss (LMM unpublis hed data). This variant has been identified in 0.1% (23/24442) of European chro mosomes by the Exome Aggregation Consortium (ExAC, g; dbSNP rs199953758); however, its frequency is not high enough to rule out a p athogenic role. Computational prediction tools and conservation analyses do not provide strong support for or against an impact to the protein. In summary, the clinical significance of the Ala2456Gly variant is uncertain.

PreventionGenetics, part of Exact Sciences
Classification: Benign for MYO15A-related condition. Last evaluated: 2020-07-13. Review status: no assertion criteria provided. Collection method: clinical testing. Allele origin: germline. Not counted in ClinVar's aggregate classification.
Comment: This variant is classified as benign based on ACMG/AMP sequence variant interpretation guidelines (Richards et al. 2015 PMID: 25741868, with internal and published modifications).

Division of Human Genetics, Children's Hospital of Philadelphia
Classification: Uncertain significance for Autosomal recessive nonsyndromic hearing loss 3. Last evaluated: 2015-07-25. Review status: no assertion criteria provided. Collection method: research. Allele origin: germline. Affected: yes. Study: CSER-PediSeq. Not counted in ClinVar's aggregate classification.

NM_016239.4(MYO15A):c.7367C>G (p.Ala2456Gly)

Gene: MYO15A (myosin XVA; plus strand). Cytogenetic location: 17p11.2.
Variant type: single nucleotide variant.
Coding change: c.7367C>G on transcript NM_016239.4 (MANE Select); coding-DNA position 7367, C replaced by G.
Protein change: p.Ala2456Gly; replaces alanine 2456 with glycine.
Molecular consequence: missense variant.
Genome position (GRCh38, 1-based): chr17:18,150,737, C>G. VCF-style: chr17-18150737-C-G. GRCh37 (hg19) VCF-style: chr17-18054051-C-G.
Other names: short protein forms A2456G.
Identifiers: ClinVar variation 164549 (VCV000164549.22), dbSNP rs199953758, ClinGen allele CA177248.